The following is an entry in ClinVar:

ClinVar aggregate classification (germline): Likely benign (0 of 4 stars; one submission).

Conditions:
NCOA1-related disorder. Also called: NCOA1-related condition.

gnomAD v4.1: 16 of 1,611,420 alleles (0.00099%); highest among the groups gnomAD compares: Non-Finnish European, 0.0013%; no homozygotes.

Submission:

PreventionGenetics, part of Exact Sciences
Classification: Likely benign for NCOA1-related condition. Last evaluated: 2024-05-01. Review status: no assertion criteria provided. Collection method: clinical testing. Allele origin: germline.
Comment: This variant is classified as likely benign based on ACMG/AMP sequence variant interpretation guidelines (Richards et al. 2015 PMID: 25741868, with internal and published modifications).

NM_003743.5(NCOA1):c.2670A>G (p.Pro890=)

Gene: NCOA1 (nuclear receptor coactivator 1; plus strand). Cytogenetic location: 2p23.3.
Variant type: single nucleotide variant.
Coding change: c.2670A>G on transcript NM_003743.5 (MANE Select); coding-DNA position 2670, A replaced by G.
Protein change: p.Pro890=; no amino-acid change (proline 890 retained).
Molecular consequence: synonymous variant.
Genome position (GRCh38, 1-based): chr2:24,726,659, A>G. VCF-style: chr2-24726659-A-G. GRCh37 (hg19) VCF-style: chr2-24949528-A-G.
Other names: c.2670A>G, p.Pro890= (NM_001362950.1, NM_001362952.1, NM_001362954.1 and 3 more transcripts).
Identifiers: ClinVar variation 3357598 (VCV003357598.1).
Genomic context (GRCh38, chr2:24,726,659, plus strand): 5'-GCTGGAATTGGAAGCAATTGATAACCAATTTGGACAACCAGGAACAGGCGATCAGATTCC[A>G]TGGACAAATAATACAGTGACAGCTATAAATCAGAGTAAATCAGAAGAGTAAGTAATACAT-3'
Protein context (NP_003734.3, residues 880-900): FGQPGTGDQI[Pro890=]WTNNTVTAIN